The following is an entry in ClinVar:

ClinVar aggregate classification (germline): Uncertain significance (1 of 4 stars; one submission).

Submission:

Labcorp Genetics (formerly Invitae), Labcorp
Classification: Uncertain significance. Last evaluated: 2023-04-10. Review status: criteria provided, single submitter. Criteria: Invitae Variant Classification Sherloc (09022015). Collection method: clinical testing. Allele origin: germline.
Comment: In summary, the available evidence is currently insufficient to determine the role of this variant in disease. Therefore, it has been classified as a Variant of Uncertain Significance. This variant has not been reported in the literature in individuals affected with ADGRE2-related conditions. This variant is not present in population databases (gnomAD no frequency). This sequence change creates a premature translational stop signal (p.Trp708Aspfs*11) in the ADGRE2 gene. It is expected to result in an absent or disrupted protein product. However, the current clinical and genetic evidence is not sufficient to establish whether loss-of-function variants in ADGRE2 cause disease.

NM_013447.4(ADGRE2):c.2121_2122del (p.Trp708fs)

Gene: ADGRE2 (adhesion G protein-coupled receptor E2; minus strand). Cytogenetic location: 19p13.12.
Variant type: Microsatellite.
Coding change: c.2121_2122del on transcript NM_013447.4 (MANE Select); coding-DNA positions 2121 to 2122, 2 bases deleted (CT; older notation c.2121_2122delCT).
Protein change: p.Trp708fs; shifts the reading frame from tryptophan 708.
Molecular consequence: frameshift variant.
Genome position (GRCh38, 1-based): chr19:14,746,293-14,746,294, AG deleted on the plus strand (CT on the coding strand, the reverse complement: ADGRE2 is on the minus strand); deleting any 2 consecutive bases within chr19:14,746,293-14,746,298 gives the same sequence; the c. name uses the placement nearest the transcript's 3' end. VCF-style (leftmost placement, unchanged base first): chr19-14746292-CAG-C. GRCh37 (hg19) VCF-style: chr19-14857104-CAG-C.
Other names: c.1947_1948del, p.Trp650fs (NM_001271052.1); c.1974_1975del, p.Trp659fs (NM_152916.2); c.1842_1843del, p.Trp615fs (NM_152917.2); short protein forms W615fs, W659fs, W708fs, W650fs.
Identifiers: ClinVar variation 2776515 (VCV002776515.3), dbSNP rs1357067419, ClinGen allele CA783612775.